The following is an entry in ClinVar:

NM_004320.6(ATP2A1):c.1961C>T (p.Thr654Met)

Gene: ATP2A1 (ATPase sarcoplasmic/endoplasmic reticulum Ca2+ transporting 1; plus strand). Cytogenetic location: 16p11.2.
Variant type: single nucleotide variant.
Coding change: c.1961C>T on transcript NM_004320.6 (MANE Select); coding-DNA position 1961, C replaced by T.
Protein change: p.Thr654Met; replaces threonine 654 with methionine.
Molecular consequence: missense variant.
Genome position (GRCh38, 1-based): chr16:28,900,777, C>T. VCF-style: chr16-28900777-C-T. GRCh37 (hg19) VCF-style: chr16-28912098-C-T.
Other names: c.1586C>T, p.Thr529Met (NM_001286075.2); c.1961C>T, p.Thr654Met (NM_173201.5); c.1961C>T (NM_004320.4); short protein forms T529M, T654M.
Identifiers: ClinVar variation 1354893 (VCV001354893.6), dbSNP rs148957878, ClinGen allele CA7987130.

ClinVar aggregate classification (germline): Uncertain significance. Review status: criteria provided, multiple submitters, no conflicts (2 of 4 stars). 2 submissions from 2 submitters: Uncertain significance (2). Last evaluated 2025-07-11.

Conditions:
Brody myopathy. Also called: BRODY DISEASE. Identifiers: Orphanet 53347, MedGen C1832918, MONDO:0010977, OMIM 601003.

Allele frequency attached by ClinVar (database versions not stated): ExAC 0.00006; ESP Exome Variant Server 0.00008; gnomAD 0.00008; 1000 Genomes Project 30x 0.00016; 1000 Genomes Project 0.00020.
gnomAD v4.1: 73 of 1,614,218 alleles (0.0045%); highest among the groups gnomAD compares: Non-Finnish European, 0.005%; no homozygotes.

Submissions (2):

Athena Diagnostics
Classification: Uncertain significance. Last evaluated: 2025-07-11. Review status: criteria provided, single submitter. Criteria: Athena Diagnostics Criteria. Collection method: clinical testing. Allele origin: unknown.
Comment: Available data are insufficient to determine the clinical significance of the variant at this time. The frequency of this variant in the general population is uninformative in assessment of its pathogenicity. Polyphen and MutationTaster yielded discordant predictions regarding whether this amino acid change is damaging to the protein.

Labcorp Genetics (formerly Invitae), Labcorp
Classification: Uncertain significance for Brody myopathy. Last evaluated: 2022-02-02. Review status: criteria provided, single submitter. Criteria: Invitae Variant Classification Sherloc (09022015). Collection method: clinical testing. Allele origin: germline.
Comment: This sequence change replaces threonine, which is neutral and polar, with methionine, which is neutral and non-polar, at codon 654 of the ATP2A1 protein (p.Thr654Met). This variant is present in population databases (rs148957878, gnomAD 0.01%). This variant has not been reported in the literature in individuals affected with ATP2A1-related conditions. Algorithms developed to predict the effect of missense changes on protein structure and function are either unavailable or do not agree on the potential impact of this missense change (SIFT: "Deleterious"; PolyPhen-2: "Probably Damaging"; Align-GVGD: "Class C0"). In summary, the available evidence is currently insufficient to determine the role of this variant in disease. Therefore, it has been classified as a Variant of Uncertain Significance.